The following is an entry in ClinVar:

ClinVar aggregate classification (germline): Benign (0 of 4 stars; one submission).

Conditions:
AXIN1-related disorder. Also called: AXIN1-related condition.

gnomAD v4.1: 380 of 1,613,256 alleles (0.024%); highest among the groups gnomAD compares: African/African-American, 0.44%; 3 homozygotes.

Submission:

PreventionGenetics, part of Exact Sciences
Classification: Benign for AXIN1-related condition. Last evaluated: 2024-09-17. Review status: no assertion criteria provided. Collection method: clinical testing. Allele origin: germline.
Comment: This variant is classified as benign based on ACMG/AMP sequence variant interpretation guidelines (Richards et al. 2015 PMID: 25741868, with internal and published modifications).

NM_003502.4(AXIN1):c.*8G>A

Gene: AXIN1 (axin 1; minus strand). Cytogenetic location: 16p13.3.
Variant type: single nucleotide variant.
Coding change: c.*8G>A on transcript NM_003502.4 (MANE Select); 8 bases downstream of the stop codon, G replaced by A.
Molecular consequence: 3 prime UTR variant. On other transcripts: non-coding transcript variant (1).
Genome position (GRCh38, 1-based): chr16:288,114, C>T on the plus strand (G>A on the coding strand, the complement: AXIN1 is on the minus strand). VCF-style: chr16-288114-C-T. GRCh37 (hg19) VCF-style: chr16-338114-C-T.
Other names: c.*8G>A (NM_181050.3).
Identifiers: ClinVar variation 3357664 (VCV003357664.1).
Genomic context (GRCh38, chr16:288,114, plus strand): 5'-TCTGCCTGGCCGTGACACCCGTGCCCGCCAAGGGCCTCGCCTGGCACAGCGGCCAGCCCA[C>T]CAGCCTATCAGTCCACCTTCTCCACTTTGCCGATGATCTTCTCCTCAAAGACGGGCAGGA-3'